The following is an entry in ClinVar:

ClinVar aggregate classification (germline): Uncertain significance. Review status: criteria provided, multiple submitters, no conflicts (2 of 4 stars). 2 submissions from 2 submitters: Uncertain significance (2). Last evaluated 2024-01-11.

Conditions:
Cystic fibrosis (CF). Also called: MUCOVISCIDOSIS. Identifiers: Orphanet 586, MedGen C0010674, MONDO:0009061, OMIM 219700. Disease mechanism: loss of function.

Allele frequency attached by ClinVar (database versions not stated): gnomAD exomes below 0.00001; TOPMed 0.00001; gnomAD 0.00001.
gnomAD v4.1: 2 of 1,613,920 alleles (0.00012%); highest among the groups gnomAD compares: Non-Finnish European, 0.00017%; no homozygotes.

Submissions (2):

Ambry Genetics
Classification: Uncertain significance for Cystic fibrosis. Last evaluated: 2024-01-11. Review status: criteria provided, single submitter. Criteria: Ambry Variant Classification Scheme 2023. Collection method: clinical testing. Allele origin: germline.
Comment: The p.V1345I variant (also known as c.4033G>A), located in coding exon 25 of the CFTR gene, results from a G to A substitution at nucleotide position 4033. The valine at codon 1345 is replaced by isoleucine, an amino acid with highly similar properties. This amino acid position is conserved. In addition, the in silico prediction for this alteration is inconclusive. Since supporting evidence is limited at this time, the clinical significance of this alteration remains unclear.

Women's Health and Genetics/Laboratory Corporation of America, LabCorp
Classification: Uncertain significance. Last evaluated: 2022-03-15. Review status: criteria provided, single submitter. Criteria: LabCorp Variant Classification Summary - May 2015. Collection method: clinical testing. Allele origin: germline.
Comment: Variant summary: CFTR c.4033G>A (p.Val1345Ile) results in a conservative amino acid change in the encoded protein sequence. Three of five in-silico tools predict a benign effect of the variant on protein function. The variant was absent in 251158 control chromosomes. The available data on variant occurrences in the general population are insufficient to allow any conclusion about variant significance. To our knowledge, no occurrence of c.4033G>A in individuals affected with Chronic Pancreatitis Risk and no experimental evidence demonstrating its impact on protein function have been reported. No clinical diagnostic laboratories have submitted clinical-significance assessments for this variant to ClinVar after 2014. Based on the evidence outlined above, the variant was classified as uncertain significance.

NM_000492.4(CFTR):c.4033G>A (p.Val1345Ile)

Gene: CFTR (CF transmembrane conductance regulator; plus strand). Cytogenetic location: 7q31.2.
Variant type: single nucleotide variant.
Coding change: c.4033G>A on transcript NM_000492.4 (MANE Select); coding-DNA position 4033, G replaced by A.
Protein change: p.Val1345Ile; replaces valine 1345 with isoleucine.
Molecular consequence: missense variant.
Genome position (GRCh38, 1-based): chr7:117,664,757, G>A. VCF-style: chr7-117664757-G-A. GRCh37 (hg19) VCF-style: chr7-117304811-G-A.
Other names: short protein forms V1345I.
Identifiers: ClinVar variation 1677110 (VCV001677110.3), dbSNP rs1371379517, ClinGen allele CA368982388.